The following is an entry in ClinVar:

ClinVar aggregate classification (germline): Uncertain significance (1 of 4 stars; one submission).

Conditions:
MAGEL2-related disorder. Also called: MAGEL2-related condition.

gnomAD v4.1: 4 of 1,586,930 alleles (0.00025%); highest among the groups gnomAD compares: Non-Finnish European, 0.00034%; no homozygotes.

Submission:

PreventionGenetics, part of Exact Sciences
Classification: Uncertain significance for MAGEL2-related condition. Last evaluated: 2026-03-26. Review status: criteria provided, single submitter. Criteria: ACMG Guidelines, 2015. Collection method: clinical testing. Allele origin: germline.
Comment: The MAGEL2 c.2105C>A variant is predicted to result in the amino acid substitution p.Ala702Glu. To our knowledge, this variant has not been reported in the literature. This variant is reported in 0.0010% of alleles in individuals of European (Non-Finnish) descent in gnomAD. At this time, the clinical significance of this variant is uncertain due to the absence of conclusive functional and genetic evidence.

NM_019066.5(MAGEL2):c.2105C>A (p.Ala702Glu)

Gene: MAGEL2 (MAGE family member L2; minus strand). Cytogenetic location: 15q11.2.
Variant type: single nucleotide variant.
Coding change: c.2105C>A on transcript NM_019066.5 (MANE Select); coding-DNA position 2105, C replaced by A.
Protein change: p.Ala702Glu; replaces alanine 702 with glutamic acid.
Molecular consequence: missense variant.
Genome position (GRCh38, 1-based): chr15:23,645,638, G>T on the plus strand (C>A on the coding strand, the complement: MAGEL2 is on the minus strand). VCF-style: chr15-23645638-G-T. GRCh37 (hg19) VCF-style: chr15-23890785-G-T.
Other names: short protein forms A702E.
Identifiers: ClinVar variation 4996461 (VCV004996461.1).